The following is an entry in ClinVar:

NM_004990.4(MARS1):c.353G>A (p.Arg118Gln)

Gene: MARS1 (methionyl-tRNA synthetase 1; plus strand). Cytogenetic location: 12q13.3.
Variant type: single nucleotide variant.
Coding change: c.353G>A on transcript NM_004990.4 (MANE Select); coding-DNA position 353, G replaced by A.
Protein change: p.Arg118Gln; replaces arginine 118 with glutamine.
Molecular consequence: missense variant.
Genome position (GRCh38, 1-based): chr12:57,489,497, G>A. VCF-style: chr12-57489497-G-A. GRCh37 (hg19) VCF-style: chr12-57883280-G-A.
Other names: short protein forms R118Q.
Identifiers: ClinVar variation 662692 (VCV000662692.7), dbSNP rs141397530, ClinGen allele CA6650142.

ClinVar aggregate classification (germline): Uncertain significance. Review status: criteria provided, multiple submitters, no conflicts (2 of 4 stars). 2 submissions from 2 submitters: Uncertain significance (2). Last evaluated 2025-04-24.

Conditions:
Severe early-onset pulmonary alveolar proteinosis due to MARS deficiency. Also called: PULMONARY ALVEOLAR PROTEINOSIS, REUNION ISLAND; Interstitial lung and liver disease. Identifiers: Orphanet 440427, MedGen C4225400, MONDO:0014206, OMIM 615486.
Charcot-Marie-Tooth disease axonal type 2U. Also called: CHARCOT-MARIE-TOOTH NEUROPATHY, TYPE 2U; CHARCOT-MARIE-TOOTH DISEASE, AXONAL, AUTOSOMAL DOMINANT, TYPE 2U. Identifiers: Orphanet 397735, MedGen C4084821, MONDO:0014566, OMIM 616280.
Charcot-Marie-Tooth disease. Also called: Charcot-Marie-Tooth Neuropathy; Charcot-Marie-Tooth Hereditary Neuropathy. Identifiers: Orphanet 166, MedGen C0007959, MONDO:0015626.

Allele frequency attached by ClinVar (database versions not stated): ExAC 0.00004; gnomAD 0.00004 and 0.00005; gnomAD exomes 0.00004 and 0.00007; TOPMed 0.00004; ESP Exome Variant Server 0.00015.
gnomAD v4.1: 109 of 1,613,996 alleles (0.0068%); highest among the groups gnomAD compares: Middle Eastern, 0.016%; no homozygotes.

Submissions (2):

Labcorp Genetics (formerly Invitae), Labcorp
Classification: Uncertain significance for Charcot-Marie-Tooth disease axonal type 2U; Severe early-onset pulmonary alveolar proteinosis due to MARS deficiency. Last evaluated: 2025-04-24. Review status: criteria provided, single submitter. Criteria: Invitae Variant Classification Sherloc (09022015). Collection method: clinical testing. Allele origin: germline.
Comment: This sequence change replaces arginine, which is basic and polar, with glutamine, which is neutral and polar, at codon 118 of the MARS protein (p.Arg118Gln). This variant is present in population databases (rs141397530, gnomAD 0.009%). This missense change has been observed in individual(s) with clinical features of Charcot-Marie-Tooth disease (PMID: 32376792). ClinVar contains an entry for this variant (Variation ID: 662692). An algorithm developed to predict the effect of missense changes on protein structure and function outputs the following: PolyPhen-2: "Benign". The glutamine amino acid residue is found in multiple mammalian species, which suggests that this missense change does not adversely affect protein function. Algorithms developed to predict the effect of sequence changes on RNA splicing suggest that this variant may disrupt the consensus splice site. In summary, the available evidence is currently insufficient to determine the role of this variant in disease. Therefore, it has been classified as a Variant of Uncertain Significance.

Molecular Genetics Laboratory, London Health Sciences Centre
Classification: Uncertain significance for Charcot-Marie-Tooth disease. Review status: criteria provided, single submitter. Criteria: ACMG Guidelines, 2015. Collection method: clinical testing. Allele origin: germline. Affected: yes.

Literature cited by the submitters: PubMed 32376792 (cited by Labcorp Genetics (formerly Invitae), Labcorp).